The following is an entry in ClinVar:

NM_000465.4(BARD1):c.1269A>G (p.Lys423=)

Gene: BARD1 (BRCA1 associated RING domain 1; minus strand). Cytogenetic location: 2q35.
Variant type: single nucleotide variant.
Coding change: c.1269A>G on transcript NM_000465.4 (MANE Select); coding-DNA position 1269, A replaced by G.
Protein change: p.Lys423=; no amino-acid change (lysine 423 retained).
Molecular consequence: synonymous variant. On other transcripts: non-coding transcript variant (2), intron variant (3).
Genome position (GRCh38, 1-based): chr2:214,780,605, T>C on the plus strand (A>G on the coding strand, the complement: BARD1 is on the minus strand). VCF-style: chr2-214780605-T-C. GRCh37 (hg19) VCF-style: chr2-215645329-T-C.
Other names: c.1212A>G, p.Lys404= (NM_001282543.2); c.159-28050A>G (NM_001282548.2); c.215+16456A>G (NM_001282545.2); c.364+11692A>G (NM_001282549.2); c.1269A>G (NM_000465.2).
Identifiers: ClinVar variation 2863036 (VCV002863036.5), dbSNP rs775490960, ClinGen allele CA2090316.

ClinVar aggregate classification (germline): Benign/Likely benign. Review status: criteria provided, multiple submitters, no conflicts (2 of 4 stars). 3 submissions from 3 submitters: Benign (1); Likely benign (2). Last evaluated 2024-09-16.

Conditions:
Hereditary cancer-predisposing syndrome. Also called: Hereditary neoplastic syndrome; Tumor predisposition; Neoplastic Syndromes, Hereditary; Hereditary Cancer Syndrome. Identifiers: Orphanet 140162, MedGen C0027672, MeSH D009386, MONDO:0015356.
Familial cancer of breast. Also called: hereditary breast carcinoma; Hereditary breast cancer; BREAST CANCER, FAMILIAL. Identifiers: Orphanet 227535, MedGen C0346153, MONDO:0016419, OMIM 114480. Disease mechanism: loss of function.

Allele frequency attached by ClinVar (database versions not stated): gnomAD exomes below 0.00001; ExAC 0.00001.
gnomAD v4.1: 2 of 1,614,084 alleles (0.00012%); highest among the groups gnomAD compares: African/African-American, 0.0013%; no homozygotes.

Submissions (3):

Ambry Genetics
Classification: Likely benign for Hereditary cancer-predisposing syndrome. Last evaluated: 2024-09-16. Review status: criteria provided, single submitter. Criteria: Ambry Variant Classification Scheme 2023. Collection method: clinical testing. Allele origin: germline.

Myriad Genetics, Inc.
Classification: Benign for Familial cancer of breast. Last evaluated: 2024-07-24. Review status: criteria provided, single submitter. Criteria: Myriad Autosomal Dominant, Autosomal Recessive and X-Linked Classification Criteria (2023). Collection method: clinical testing. Allele origin: unknown.
Comment: This variant is considered benign. This variant is a silent/synonymous amino acid change and it is not expected to impact splicing.

Labcorp Genetics (formerly Invitae), Labcorp
Classification: Likely benign for Familial cancer of breast. Last evaluated: 2023-05-10. Review status: criteria provided, single submitter. Criteria: Invitae Variant Classification Sherloc (09022015). Collection method: clinical testing. Allele origin: germline.